The following is an entry in ClinVar:

NM_000245.4(MET):c.4135G>A (p.Val1379Met)

Gene: MET (MET proto-oncogene, receptor tyrosine kinase; plus strand). Cytogenetic location: 7q31.2.
Variant type: single nucleotide variant.
Coding change: c.4135G>A on transcript NM_000245.4 (MANE Select); coding-DNA position 4135, G replaced by A.
Protein change: p.Val1379Met; replaces valine 1379 with methionine.
Molecular consequence: missense variant.
Genome position (GRCh38, 1-based): chr7:116,796,086, G>A. VCF-style: chr7-116796086-G-A. GRCh37 (hg19) VCF-style: chr7-116436140-G-A.
Other names: c.4189G>A (LRG_662t1, NM_001127500.2); c.4189G>A, p.Val1397Met (NM_001127500.3); c.2845G>A, p.Val949Met (NM_001324402.2); short protein forms V1397M, V949M, V1379M.
Identifiers: ClinVar variation 485771 (VCV000485771.15), dbSNP rs1554402266, ClinGen allele CA369118465.

ClinVar aggregate classification (germline): Uncertain significance. Review status: criteria provided, multiple submitters, no conflicts (2 of 4 stars). 3 submissions from 3 submitters: Uncertain significance (3). Last evaluated 2024-05-25.

Conditions:
Hereditary cancer-predisposing syndrome. Also called: Tumor predisposition; Hereditary Cancer Syndrome; Hereditary neoplastic syndrome; Neoplastic Syndromes, Hereditary. Identifiers: Orphanet 140162, MedGen C0027672, MeSH D009386, MONDO:0015356.
Renal cell carcinoma. Identifiers: Orphanet 217071, MedGen C0007134, MeSH D002292, MONDO:0005086, HP:0005584.

Allele frequency attached by ClinVar (database versions not stated): gnomAD exomes below 0.00001.
gnomAD v4.1: 2 of 1,614,104 alleles (0.00012%); highest among the groups gnomAD compares: Non-Finnish European, 0.00017%; no homozygotes.

Submissions (3):

Ambry Genetics
Classification: Uncertain significance for Hereditary cancer-predisposing syndrome. Last evaluated: 2024-05-25. Review status: criteria provided, single submitter. Criteria: Ambry Variant Classification Scheme 2023. Collection method: clinical testing. Allele origin: germline.
Comment: The p.V1397M variant (also known as c.4189G>A), located in coding exon 20 of the MET gene, results from a G to A substitution at nucleotide position 4189. The valine at codon 1397 is replaced by methionine, an amino acid with highly similar properties. This amino acid position is not well conserved in available vertebrate species. In addition, this alteration is predicted to be tolerated by in silico analysis. Since supporting evidence is limited at this time, the clinical significance of this alteration remains unclear.

Quest Diagnostics Nichols Institute San Juan Capistrano
Classification: Uncertain significance. Last evaluated: 2024-03-06. Review status: criteria provided, single submitter. Criteria: Quest Diagnostics criteria. Collection method: clinical testing. Allele origin: unknown.

Labcorp Genetics (formerly Invitae), Labcorp
Classification: Uncertain significance for Renal cell carcinoma. Last evaluated: 2024-02-01. Review status: criteria provided, single submitter. Criteria: Invitae Variant Classification Sherloc (09022015). Collection method: clinical testing. Allele origin: germline.
Comment: This sequence change replaces valine, which is neutral and non-polar, with methionine, which is neutral and non-polar, at codon 1397 of the MET protein (p.Val1397Met). This variant is not present in population databases (gnomAD no frequency). This variant has not been reported in the literature in individuals affected with MET-related conditions. ClinVar contains an entry for this variant (Variation ID: 485771). Algorithms developed to predict the effect of missense changes on protein structure and function output the following: SIFT: "Not Available"; PolyPhen-2: "Benign"; Align-GVGD: "Not Available". The methionine amino acid residue is found in multiple mammalian species, which suggests that this missense change does not adversely affect protein function. In summary, the available evidence is currently insufficient to determine the role of this variant in disease. Therefore, it has been classified as a Variant of Uncertain Significance.